The following is an entry in ClinVar:

ClinVar aggregate classification (germline): Pathogenic/Likely pathogenic. Review status: criteria provided, multiple submitters, no conflicts (2 of 4 stars). 3 submissions from 3 submitters: Pathogenic (1); Likely pathogenic (1). 1 of the submissions does not count toward it. Last evaluated 2023-07-13.

Conditions:
Crouzon syndrome. Also called: CRANIOFACIAL DYSOSTOSIS, TYPE I; Craniofacial dysostosis; Craniofacial dysostosis type 1; Crouzon craniofacial dysostosis; Crouzon disease. Identifiers: Orphanet 207, MedGen C0010273, MeSH D003394, MONDO:0007405, OMIM 123500, HP:0004439.
FGFR2-related disorder. Identifiers: MedGen CN380096.
FGFR2-related craniosynostosis. Identifiers: MedGen CN231480.

Submissions (3):

Labcorp Genetics (formerly Invitae), Labcorp
Classification: Pathogenic for FGFR2-related craniosynostosis. Last evaluated: 2023-07-13. Review status: criteria provided, single submitter. Criteria: Invitae Variant Classification Sherloc (09022015). Collection method: clinical testing. Allele origin: germline.
Comment: For these reasons, this variant has been classified as Pathogenic. Algorithms developed to predict the effect of sequence changes on RNA splicing suggest that this variant may disrupt the consensus splice site. Advanced modeling of protein sequence and biophysical properties (such as structural, functional, and spatial information, amino acid conservation, physicochemical variation, residue mobility, and thermodynamic stability) performed at Invitae indicates that this missense variant is expected to disrupt FGFR2 protein function. ClinVar contains an entry for this variant (Variation ID: 1406374). This missense change has been observed in individuals with FGFR2-related conditions (PMID: 16418739, 25271085, 33937142). It has also been observed to segregate with disease in related individuals. This variant is not present in population databases (gnomAD no frequency). This sequence change replaces leucine, which is neutral and non-polar, with serine, which is neutral and polar, at codon 357 of the FGFR2 protein (p.Leu357Ser).

Department of Human Genetics, Hannover Medical School
Classification: Likely pathogenic for Crouzon syndrome. Last evaluated: 2022-10-13. Review status: criteria provided, single submitter. Criteria: ACMG Guidelines, 2015. Collection method: clinical testing. Allele origin: germline. Inheritance: Autosomal dominant inheritance. Affected: yes.

PreventionGenetics, part of Exact Sciences
Classification: Pathogenic for FGFR2-related condition. Last evaluated: 2023-12-26. Review status: no assertion criteria provided. Collection method: clinical testing. Allele origin: germline. Not counted in ClinVar's aggregate classification.
Comment: The FGFR2 c.1070T>C variant is predicted to result in the amino acid substitution p.Leu357Ser. This variant was reported in several individuals diagnosed with Crouzon syndrome or craniosynostosis (Lajeunie et al. 2006. PubMed ID: 16418739; Alghamdi et al. 2021. PubMed ID: 33937142; Paumard-Hernández et al. 2014. PubMed ID: 25271085). This variant has not been reported in a large population database, indicating this variant is rare. This variant is interpreted as pathogenic.

Literature cited by the submitters: PubMed 16418739 (cited by Labcorp Genetics (formerly Invitae), Labcorp); PubMed 25271085 (cited by Labcorp Genetics (formerly Invitae), Labcorp); PubMed 33937142 (cited by Labcorp Genetics (formerly Invitae), Labcorp).

NM_000141.5(FGFR2):c.1070T>C (p.Leu357Ser)

Gene: FGFR2 (fibroblast growth factor receptor 2; minus strand). Cytogenetic location: 10q26.13.
Variant type: single nucleotide variant.
Coding change: c.1070T>C on transcript NM_000141.5 (MANE Select); coding-DNA position 1070, T replaced by C.
Protein change: p.Leu357Ser; replaces leucine 357 with serine.
Molecular consequence: missense variant. On other transcripts: non-coding transcript variant (1), intron variant (5).
Genome position (GRCh38, 1-based): chr10:121,517,333, A>G on the plus strand (T>C on the coding strand, the complement: FGFR2 is on the minus strand). VCF-style: chr10-121517333-A-G. GRCh37 (hg19) VCF-style: chr10-123276847-A-G.
Other names: c.803T>C, p.Leu268Ser (NM_001144915.2, NM_023029.3); c.725T>C, p.Leu242Ser (NM_001144916.2, NM_001144918.2); c.386T>C, p.Leu129Ser (NM_001320654.2); c.1070T>C, p.Leu357Ser (NM_001320658.2); c.749-2014T>C (NM_001144914.1); c.939+2646T>C (NM_001144917.2); c.1087+1349T>C (NM_022970.4, NM_001144913.1); c.820+1349T>C (NM_001144919.2); short protein forms L129S, L242S, L357S, L268S.
Identifiers: ClinVar variation 1406374 (VCV001406374.11), dbSNP rs2134254345, ClinGen allele CA378327662.